The following is an entry in ClinVar:

ClinVar aggregate classification (germline): Likely benign. Review status: criteria provided, multiple submitters, no conflicts (2 of 4 stars). 3 submissions from 3 submitters: Likely benign (3). Last evaluated 2026-07-01.

Conditions:
Haddad syndrome (OHD). Also called: Ondine-Hirschsprung disease. Identifiers: Orphanet 99803, MedGen C1859049, MONDO:0020493.
Hereditary cancer-predisposing syndrome. Also called: Neoplastic Syndromes, Hereditary; Hereditary neoplastic syndrome; Hereditary Cancer Syndrome; Tumor predisposition. Identifiers: Orphanet 140162, MedGen C0027672, MeSH D009386, MONDO:0015356.

Allele frequency attached by ClinVar (database versions not stated): gnomAD exomes below 0.00001.
gnomAD v4.1: 1 of 1,608,418 alleles (0.000062%); highest among the groups gnomAD compares: Non-Finnish European, 0.000085%; no homozygotes.

Submissions (3):

CeGaT Center for Human Genetics Tuebingen
Classification: Likely benign. Last evaluated: 2026-07-01. Review status: criteria provided, single submitter. Criteria: CeGaT Center For Human Genetics Tuebingen Variant Classification Criteria Version 2. Collection method: clinical testing. Allele origin: germline. Affected: yes. Observed: 1 variant allele.
Comment: PHOX2B: BP4, BP7

Labcorp Genetics (formerly Invitae), Labcorp
Classification: Likely benign for Haddad syndrome. Last evaluated: 2024-06-21. Review status: criteria provided, single submitter. Criteria: Invitae Variant Classification Sherloc (09022015). Collection method: clinical testing. Allele origin: germline.

Ambry Genetics
Classification: Likely benign for Hereditary cancer-predisposing syndrome. Last evaluated: 2022-06-28. Review status: criteria provided, single submitter. Criteria: Ambry Variant Classification Scheme 2023. Collection method: clinical testing. Allele origin: germline.

NM_003924.4(PHOX2B):c.261G>C (p.Thr87=)

Gene: PHOX2B (paired like homeobox 2B; minus strand). Cytogenetic location: 4p13.
Variant type: single nucleotide variant.
Coding change: c.261G>C on transcript NM_003924.4 (MANE Select); coding-DNA position 261, G replaced by C.
Protein change: p.Thr87=; no amino-acid change (threonine 87 retained).
Molecular consequence: synonymous variant.
Genome position (GRCh38, 1-based): chr4:41,747,517, C>G on the plus strand (G>C on the coding strand, the complement: PHOX2B is on the minus strand). VCF-style: chr4-41747517-C-G. GRCh37 (hg19) VCF-style: chr4-41749534-C-G.
Identifiers: ClinVar variation 699328 (VCV000699328.12), dbSNP rs996060917, ClinGen allele CA438979081.
Genomic context (GRCh38, chr4:41,747,517, plus strand): 5'-ACTGGTGAAAGTGGTGCGGATGCGCCGCTGCTTGCGCTTCTCGTTGAGGCCGCCGTGGTC[C>G]GTGAAGAGTTTGTAAGGAACTAGAGTATGACAGAGGAGACAGAAAGTGAGCAAATCAGCC-3'
Protein context (NP_003915.2, residues 77-97): PYAAVPYKLF[Thr87=]DHGGLNEKRK